The following is an entry in ClinVar:

NM_012431.3(SEMA3E):c.598G>A (p.Ala200Thr)

Gene: SEMA3E (semaphorin 3E; minus strand). Cytogenetic location: 7q21.11.
Variant type: single nucleotide variant.
Coding change: c.598G>A on transcript NM_012431.3 (MANE Select); coding-DNA position 598, G replaced by A.
Protein change: p.Ala200Thr; replaces alanine 200 with threonine.
Molecular consequence: missense variant.
Genome position (GRCh38, 1-based): chr7:83,408,440, C>T on the plus strand (G>A on the coding strand, the complement: SEMA3E is on the minus strand). VCF-style: chr7-83408440-C-T. GRCh37 (hg19) VCF-style: chr7-83037756-C-T.
Other names: c.418G>A, p.Ala140Thr (NM_001178129.2); short protein forms A140T, A200T.
Identifiers: ClinVar variation 3625360 (VCV003625360.2).
Genomic context (GRCh38, chr7:83,408,440, plus strand): 5'-GCTCATCGTCATGCTCAGTGCGGATATGGGCCAGTCGCCCCATGCTGCGGAAGATCGCAG[C>T]GTCTCTGCTCCAGTAGTCACTGTAGAGTCCAGCAAACAATTCACTACCTACACGGGAGCA-3'
Protein context (NP_036563.1, residues 190-210): GLYSDYWSRD[Ala200Thr]AIFRSMGRLA

ClinVar aggregate classification (germline): Uncertain significance (1 of 4 stars; one submission).

Conditions:
CHARGE syndrome (CHARGE). Also called: Hittner Hirsch Kreh syndrome; CHARGE ASSOCIATION--COLOBOMA, HEART ANOMALY, CHOANAL ATRESIA, RETARDATION, GENITAL AND EAR ANOMALIES; Coloboma, heart anomaly, choanal atresia, retardation, genital and ear anomalies; CHARGE association; Hall-Hittner syndrome. Identifiers: Orphanet 138, MedGen C0265354, MONDO:0008965.

gnomAD v4.1: 1 of 1,613,706 alleles (0.000062%); highest among the groups gnomAD compares: Non-Finnish European, 0.000085%; no homozygotes.

Submission:

Labcorp Genetics (formerly Invitae), Labcorp
Classification: Uncertain significance for CHARGE syndrome. Last evaluated: 2024-08-06. Review status: criteria provided, single submitter. Criteria: Invitae Variant Classification Sherloc (09022015). Collection method: clinical testing. Allele origin: germline.
Comment: This sequence change replaces alanine, which is neutral and non-polar, with threonine, which is neutral and polar, at codon 200 of the SEMA3E protein (p.Ala200Thr). This variant is not present in population databases (gnomAD no frequency). This variant has not been reported in the literature in individuals affected with SEMA3E-related conditions. Advanced modeling of protein sequence and biophysical properties (such as structural, functional, and spatial information, amino acid conservation, physicochemical variation, residue mobility, and thermodynamic stability) performed at Invitae indicates that this missense variant is not expected to disrupt SEMA3E protein function with a negative predictive value of 80%. In summary, the available evidence is currently insufficient to determine the role of this variant in disease. Therefore, it has been classified as a Variant of Uncertain Significance.